The following is an entry in ClinVar:

NM_000368.5(TSC1):c.1264-9T>C

Gene: TSC1 (TSC complex subunit 1; minus strand). Cytogenetic location: 9q34.13.
Variant type: single nucleotide variant.
Coding change: c.1264-9T>C on transcript NM_000368.5 (MANE Select); 9 bases into the intron before coding-DNA position 1264, T replaced by C.
Molecular consequence: intron variant.
Genome position (GRCh38, 1-based): chr9:132,907,379, A>G on the plus strand (T>C on the coding strand, the complement: TSC1 is on the minus strand). VCF-style: chr9-132907379-A-G. GRCh37 (hg19) VCF-style: chr9-135782766-A-G.
Other names: c.901-9T>C (NM_001362177.2); c.1111-9T>C (NM_001162427.2); c.1261-9T>C (NM_001162426.2).
Identifiers: ClinVar variation 466017 (VCV000466017.19), dbSNP rs1399728684, ClinGen allele CA5301764.

ClinVar aggregate classification (germline): Benign/Likely benign. Review status: criteria provided, multiple submitters, no conflicts (2 of 4 stars). 7 submissions from 7 submitters: Benign (3); Likely benign (4). Last evaluated 2025-11-03.

Conditions:
Tuberous sclerosis 1 (TSC1). Identifiers: Orphanet 805, MedGen C1854465, MONDO:0008612, OMIM 191100.
Tuberous sclerosis syndrome (TSC). Also called: Tuberous Sclerosis Complex; Tuberous sclerosis. Identifiers: Orphanet 805, MedGen C0041341, MONDO:0001734.

Allele frequency attached by ClinVar (database versions not stated): ExAC 0.00002; gnomAD exomes 0.00002 and 0.00003; TOPMed 0.00002; gnomAD 0.00003 and 0.00004.
gnomAD v4.1: 49 of 1,610,920 alleles (0.003%); highest among the groups gnomAD compares: Middle Eastern, 0.016%; no homozygotes.

Submissions (7):

Labcorp Genetics (formerly Invitae), Labcorp
Classification: Benign for Tuberous sclerosis 1. Last evaluated: 2025-11-03. Review status: criteria provided, single submitter. Criteria: Invitae Variant Classification Sherloc (09022015). Collection method: clinical testing. Allele origin: germline.

Myriad Genetics, Inc.
Classification: Likely benign for Tuberous sclerosis 1. Last evaluated: 2025-04-09. Review status: criteria provided, single submitter. Criteria: Myriad Autosomal Dominant, Autosomal Recessive and X-Linked Classification Criteria (2023). Collection method: clinical testing. Allele origin: unknown.
Comment: This variant is considered likely benign. This variant is intronic and is not expected to impact mRNA splicing.

Color Diagnostics, LLC DBA Color Health
Classification: Likely benign for Tuberous sclerosis syndrome. Last evaluated: 2023-11-28. Review status: criteria provided, single submitter. Criteria: ACMG Guidelines, 2015. Collection method: clinical testing. Allele origin: germline.

KCCC/NGS Laboratory, Kuwait Cancer Control Center
Classification: Benign for Tuberous sclerosis 1. Last evaluated: 2023-07-07. Review status: criteria provided, single submitter. Criteria: ACMG Guidelines, 2015. Collection method: clinical testing. Allele origin: germline. Affected: yes.

Blueprint Genetics
Classification: Likely benign. Last evaluated: 2022-07-20. Review status: criteria provided, single submitter. Criteria: ACMG Guidelines, 2015. Collection method: clinical testing. Allele origin: germline.

Genome-Nilou Lab
Classification: Benign for Tuberous sclerosis 1. Last evaluated: 2021-11-07. Review status: criteria provided, single submitter. Criteria: ACMG Guidelines, 2015. Collection method: clinical testing. Allele origin: germline. Affected: no.

GeneDx
Classification: Likely benign. Last evaluated: 2021-06-14. Review status: criteria provided, single submitter. Criteria: GeneDx Variant Classification Process June 2021. Collection method: clinical testing. Allele origin: germline. Affected: yes.